The following is an entry in ClinVar:

NM_000540.3(RYR1):c.10662C>G (p.His3554Gln)

Gene: RYR1 (ryanodine receptor 1; plus strand). Cytogenetic location: 19q13.2.
Variant type: single nucleotide variant.
Coding change: c.10662C>G on transcript NM_000540.3 (MANE Select); coding-DNA position 10662, C replaced by G.
Protein change: p.His3554Gln; replaces histidine 3554 with glutamine.
Molecular consequence: missense variant.
Genome position (GRCh38, 1-based): chr19:38,527,028, C>G. VCF-style: chr19-38527028-C-G. GRCh37 (hg19) VCF-style: chr19-39017668-C-G.
Other names: c.10647C>G, p.His3549Gln (NM_001042723.2); c.10662C>G (NM_000540.2); short protein forms H3554Q, H3549Q.
Identifiers: ClinVar variation 1382043 (VCV001382043.7), dbSNP rs758686728, ClinGen allele CA405646012.
Genomic context (GRCh38, chr19:38,527,028, plus strand): 5'-ACCCAGCCTGGCTCTGTCTCCCCAGAAAGACACAGATGAGGAGGTCCGGGAATTTCTGCA[C>G]AACAACCTTCACCTTCAGGGAAAGGTATGCCTCCTTCCTCTGCAAGCAAAAGAAGCAAGT-3'
Protein context (NP_000531.2, residues 3544-3564): DTDEEVREFL[His3554Gln]NNLHLQGKVE

ClinVar aggregate classification (germline): Conflicting classifications of pathogenicity. Review status: criteria provided, conflicting classifications (1 of 4 stars). 3 submissions from 3 submitters: Uncertain significance (2); Likely benign (1). Last evaluated 2026-06-10.

Conditions:
RYR1-related disorder. Also called: RYR1-related disorders; RYR1-related condition. Identifiers: MedGen CN239331.
Inborn genetic diseases. Identifiers: MedGen C0950123, MeSH D030342.

Allele frequency attached by ClinVar (database versions not stated): TOPMed 0.00001.

Submissions (3):

Ambry Genetics
Classification: Likely benign for Inborn genetic diseases. Last evaluated: 2026-06-10. Review status: criteria provided, single submitter. Criteria: Ambry Variant Classification Scheme 2023. Collection method: clinical testing. Allele origin: germline.

Labcorp Genetics (formerly Invitae), Labcorp
Classification: Uncertain significance for RYR1-related disorder. Last evaluated: 2022-11-01. Review status: criteria provided, single submitter. Criteria: Invitae Variant Classification Sherloc (09022015). Collection method: clinical testing. Allele origin: germline.
Comment: This sequence change replaces histidine, which is basic and polar, with glutamine, which is neutral and polar, at codon 3554 of the RYR1 protein (p.His3554Gln). This variant is not present in population databases (gnomAD no frequency). This variant has not been reported in the literature in individuals affected with RYR1-related conditions. ClinVar contains an entry for this variant (Variation ID: 1382043). Advanced modeling of protein sequence and biophysical properties (such as structural, functional, and spatial information, amino acid conservation, physicochemical variation, residue mobility, and thermodynamic stability) performed at Invitae indicates that this missense variant is not expected to disrupt RYR1 protein function. In summary, the available evidence is currently insufficient to determine the role of this variant in disease. Therefore, it has been classified as a Variant of Uncertain Significance.

Breakthrough Genomics
Classification: Uncertain significance. Review status: criteria provided, single submitter. Criteria: ACMG Guidelines, 2015. Collection method: not provided. Allele origin: germline. Inheritance: Autosomal dominant inheritance. Affected: yes.